The following is an entry in ClinVar:

ClinVar aggregate classification (germline): Uncertain significance. Review status: criteria provided, multiple submitters, no conflicts (2 of 4 stars). 2 submissions from 2 submitters: Uncertain significance (2). Last evaluated 2024-06-05.

Conditions:
Hereditary cancer-predisposing syndrome. Also called: Tumor predisposition; Hereditary Cancer Syndrome; Neoplastic Syndromes, Hereditary; Hereditary neoplastic syndrome. Identifiers: Orphanet 140162, MedGen C0027672, MeSH D009386, MONDO:0015356.
Gorlin syndrome. Also called: Basal cell nevus syndrome; Nevoid Basal Cell Carcinoma Syndrome. Identifiers: Orphanet 377, MedGen C0004779, MONDO:0007187.

Allele frequency attached by ClinVar (database versions not stated): gnomAD exomes below 0.00001.

Submissions (2):

Labcorp Genetics (formerly Invitae), Labcorp
Classification: Uncertain significance for Gorlin syndrome. Last evaluated: 2024-06-05. Review status: criteria provided, single submitter. Criteria: Invitae Variant Classification Sherloc (09022015). Collection method: clinical testing. Allele origin: germline.
Comment: This sequence change replaces aspartic acid, which is acidic and polar, with histidine, which is basic and polar, at codon 180 of the PTCH1 protein (p.Asp180His). This variant is not present in population databases (gnomAD no frequency). This variant has not been reported in the literature in individuals affected with PTCH1-related conditions. ClinVar contains an entry for this variant (Variation ID: 453899). Advanced modeling of protein sequence and biophysical properties (such as structural, functional, and spatial information, amino acid conservation, physicochemical variation, residue mobility, and thermodynamic stability) performed at Invitae indicates that this missense variant is not expected to disrupt PTCH1 protein function with a negative predictive value of 95%. In summary, the available evidence is currently insufficient to determine the role of this variant in disease. Therefore, it has been classified as a Variant of Uncertain Significance.

Ambry Genetics
Classification: Uncertain significance for Hereditary cancer-predisposing syndrome. Last evaluated: 2024-03-10. Review status: criteria provided, single submitter. Criteria: Ambry Variant Classification Scheme 2023. Collection method: clinical testing. Allele origin: germline.
Comment: The p.D180H variant (also known as c.538G>C), located in coding exon 3 of the PTCH1 gene, results from a G to C substitution at nucleotide position 538. The aspartic acid at codon 180 is replaced by histidine, an amino acid with similar properties. This amino acid position is well conserved in available vertebrate species. In addition, this alteration is predicted to be tolerated by in silico analysis. Since supporting evidence is limited at this time, the clinical significance of this alteration remains unclear.

NM_000264.5(PTCH1):c.538G>C (p.Asp180His)

Gene: PTCH1 (patched 1; minus strand). Cytogenetic location: 9q22.32.
Variant type: single nucleotide variant.
Coding change: c.538G>C on transcript NM_000264.5 (MANE Select); coding-DNA position 538, G replaced by C.
Protein change: p.Asp180His; replaces aspartic acid 180 with histidine.
Molecular consequence: missense variant. On other transcripts: non-coding transcript variant (1).
Genome position (GRCh38, 1-based): chr9:95,485,731, C>G on the plus strand (G>C on the coding strand, the complement: PTCH1 is on the minus strand). VCF-style: chr9-95485731-C-G. GRCh37 (hg19) VCF-style: chr9-98248013-C-G.
Other names: c.340G>C, p.Asp114His (NM_001083602.3, NM_001354919.2); c.535G>C, p.Asp179His (NM_001083603.3); c.85G>C, p.Asp29His (NM_001083604.3, NM_001083605.3, NM_001083606.3 and 1 more transcripts); c.538G>C, p.Asp180His (NM_001354918.2); short protein forms D180H, D114H, D179H, D29H.
Identifiers: ClinVar variation 453899 (VCV000453899.11), dbSNP rs1554702067, ClinGen allele CA374116767.